The following is an entry in ClinVar:

ClinVar aggregate classification (germline): Likely pathogenic (1 of 4 stars; one submission).

Conditions:
Charcot-Marie-Tooth disease type 2. Also called: Charcot-Marie-Tooth type 2. Identifiers: Orphanet 64746, MedGen C0270914, MONDO:0018993.

Submission:

Labcorp Genetics (formerly Invitae), Labcorp
Classification: Likely pathogenic for Charcot-Marie-Tooth disease type 2. Last evaluated: 2023-03-03. Review status: criteria provided, single submitter. Criteria: Invitae Variant Classification Sherloc (09022015). Collection method: clinical testing. Allele origin: germline.
Comment: This sequence change replaces leucine, which is neutral and non-polar, with valine, which is neutral and non-polar, at codon 724 of the MFN2 protein (p.Leu724Val). This variant is not present in population databases (gnomAD no frequency). This variant has not been reported in the literature in individuals affected with MFN2-related conditions. Advanced modeling of protein sequence and biophysical properties (such as structural, functional, and spatial information, amino acid conservation, physicochemical variation, residue mobility, and thermodynamic stability) performed at Invitae indicates that this missense variant is expected to disrupt MFN2 protein function. This variant disrupts the p.Leu724Pro amino acid residue in MFN2. Other variant(s) that disrupt this residue have been determined to be pathogenic (PMID: 21326314, 24450158; Invitae). This suggests that this residue is clinically significant, and that variants that disrupt this residue are likely to be disease-causing. In summary, the currently available evidence indicates that the variant is pathogenic, but additional data are needed to prove that conclusively. Therefore, this variant has been classified as Likely Pathogenic.

Literature cited by the submitters: PubMed 21326314; PubMed 24450158.

NM_014874.4(MFN2):c.2170C>G (p.Leu724Val)

Gene: MFN2 (mitofusin 2; plus strand). Cytogenetic location: 1p36.22.
Variant type: single nucleotide variant.
Coding change: c.2170C>G on transcript NM_014874.4 (MANE Select); coding-DNA position 2170, C replaced by G.
Protein change: p.Leu724Val; replaces leucine 724 with valine.
Molecular consequence: missense variant.
Genome position (GRCh38, 1-based): chr1:12,009,692, C>G. VCF-style: chr1-12009692-C-G. GRCh37 (hg19) VCF-style: chr1-12069749-C-G.
Other names: c.2170C>G, p.Leu724Val (NM_001127660.2); short protein forms L724V.
Identifiers: ClinVar variation 2916039 (VCV002916039.3), dbSNP rs2523122904, ClinGen allele CA338453290.